The following is an entry in ClinVar:

NM_000975.5(RPL11):c.444_445dup (p.Gly149fs)

Gene: RPL11 (ribosomal protein L11; plus strand). Cytogenetic location: 1p36.11.
Variant type: Duplication.
Coding change: c.444_445dup on transcript NM_000975.5 (MANE Select); coding-DNA positions 444 to 445, 2 bases duplicated (AG; older notation c.444_445dupAG).
Protein change: p.Gly149fs; shifts the reading frame from glycine 149.
Molecular consequence: frameshift variant.
Genome position (GRCh38, 1-based): chr1:23,695,845-23,695,846, AG duplicated. VCF-style (leftmost placement, unchanged base first): chr1-23695844-C-CAG. GRCh37 (hg19) VCF-style: chr1-24022334-C-CAG.
Other names: c.444_445dupAG (NM_000975.3); c.444_445dup, p.Gly149fs (LRG_1140t1); c.441_442dup, p.Gly148fs (NM_001199802.1); short protein forms G148fs, G149fs.
Identifiers: ClinVar variation 429560 (VCV000429560.2), dbSNP rs1131691456, ClinGen allele CA645369148.
Genomic context (GRCh38, chr1:23,695,844, plus strand): 5'-TATTCCTGGGACAGGTGCTGGGTAGGCCAGGTTTCAGCATCGCAGACAAGAAGCGCAGGA[C>CAG]AGGCTGCATTGGGGCCAAACACAGAATCAGCAAAGAGGAGGCCATGCGCTGGTTCCAGCA-3'

ClinVar aggregate classification (germline): Uncertain significance (1 of 4 stars; one submission).

Submission:

GeneDx
Classification: Uncertain significance. Last evaluated: 2017-04-26. Review status: criteria provided, single submitter. Criteria: GeneDx Variant Classification (06012015). Collection method: clinical testing. Allele origin: germline. Affected: yes.
Comment: The c.444_445dupAG variant in the RPL11 gene has not been published as a pathogenic variant, nor has it been reported as a benign variant to our knowledge. The variant causes a frameshift starting with codon Glycine 149, changes this amino acid to a Glutamic acid residue and creates a premature Stop codon at position 46 of the new reading frame, denoted p.Gly149GlufsX46. The variant is not observed in large population cohorts (Lek et al., 2016; 1000 Genomes Consortium et al., 2015; Exome Variant Server). This variant causes the final 30 amino acids of the RPL11 protein to be replaced with 45 incorrect amino acids; however, no nonsense-mediated decay is predicted. Additionally, the replaced residues are not located within a known functional domain. In the absence of functional studies, the actual effect of this variant in this individual is unknown. In summary, based on the currently available information, it is unclear whether this variant is a pathogenic variant or a rare benign variant.